The following is an entry in ClinVar:

NM_000478.6(ALPL):c.334G>C (p.Gly112Arg)

Gene: ALPL (alkaline phosphatase, biomineralization associated; plus strand). Cytogenetic location: 1p36.12.
Variant type: single nucleotide variant.
Coding change: c.334G>C on transcript NM_000478.6 (MANE Select); coding-DNA position 334, G replaced by C.
Protein change: p.Gly112Arg; replaces glycine 112 with arginine.
Molecular consequence: missense variant.
Genome position (GRCh38, 1-based): chr1:21,563,146, G>C. VCF-style: chr1-21563146-G-C. GRCh37 (hg19) VCF-style: chr1-21889639-G-C.
Other names: c.169G>C, p.Gly57Arg (NM_001127501.4); c.103G>C, p.Gly35Arg (NM_001177520.3); c.334G>C, p.Gly112Arg (NM_001369803.2, NM_001369804.2, NM_001369805.2); short protein forms G112R, G35R, G57R.
Identifiers: ClinVar variation 4086796 (VCV004086796.1).

ClinVar aggregate classification (germline): Likely pathogenic (1 of 4 stars; one submission).

Conditions:
Hypophosphatasia. Also called: Phosphoethanol-aminuria. Identifiers: Orphanet 436, MedGen C0020630, MeSH D007014, MONDO:0018570.

gnomAD v4.1: 1 of 1,613,746 alleles (0.000062%); highest among the groups gnomAD compares: Admixed American, 0.0017%; no homozygotes.

Submission:

Genomenon, Inc
Classification: Likely pathogenic for Hypophosphatasia. Last evaluated: 2025-08-29. Review status: criteria provided, single submitter. Criteria: Genomenon Sequence Variant Interpretation Standards. Collection method: curation. Allele origin: germline. Affected: yes.
Comment: ALPL c.334G>C is a missense variant that changes the amino acid at residue 112 from Glycine to Arginine. This variant has been observed in at least one proband affected with hypophosphatasia (PMID:39450343;25731960). It is absent or not present at a significant frequency in gnomAD. In silico models agree that this variant is possibly or probably damaging. In conclusion, we classify ALPL p.Gly112Arg (c.334G>C) as a likely pathogenic variant.

Literature cited by the submitters: PubMed 39450343; PubMed 25731960.